The following is an entry in ClinVar:

ClinVar aggregate classification (germline): Uncertain significance (1 of 4 stars; one submission).

Conditions:
TNF receptor-associated periodic fever syndrome (TRAPS) (FPF). Also called: FAMILIAL HIBERNIAN FEVER; TNF RECEPTOR-ASSOCIATED PERIODIC SYNDROME; TUMOR NECROSIS FACTOR RECEPTOR-ASSOCIATED PERIODIC SYNDROME; Autosomal Dominant Familial Periodic Fever; TNF Receptor-Associated Periodic Fever Syndrome; TNF receptor 1-associated periodic fever syndrome. Identifiers: Orphanet 32960, MedGen C1275126, MONDO:0007727, OMIM 142680.

Submission:

Labcorp Genetics (formerly Invitae), Labcorp
Classification: Uncertain significance for TNF receptor-associated periodic fever syndrome (TRAPS). Last evaluated: 2023-04-15. Review status: criteria provided, single submitter. Criteria: Invitae Variant Classification Sherloc (09022015). Collection method: clinical testing. Allele origin: germline.
Comment: In summary, the available evidence is currently insufficient to determine the role of this variant in disease. Therefore, it has been classified as a Variant of Uncertain Significance. Advanced modeling of protein sequence and biophysical properties (such as structural, functional, and spatial information, amino acid conservation, physicochemical variation, residue mobility, and thermodynamic stability) has been performed at Invitae for this missense variant, however the output from this modeling did not meet the statistical confidence thresholds required to predict the impact of this variant on TNFRSF1A protein function. This variant has not been reported in the literature in individuals affected with TNFRSF1A-related conditions. This variant is not present in population databases (gnomAD no frequency). This sequence change replaces leucine, which is neutral and non-polar, with arginine, which is basic and polar, at codon 325 of the TNFRSF1A protein (p.Leu325Arg).

NM_001065.4(TNFRSF1A):c.974T>G (p.Leu325Arg)

Gene: TNFRSF1A (TNF receptor superfamily member 1A; minus strand). Cytogenetic location: 12p13.31.
Variant type: single nucleotide variant.
Coding change: c.974T>G on transcript NM_001065.4 (MANE Select); coding-DNA position 974, T replaced by G.
Protein change: p.Leu325Arg; replaces leucine 325 with arginine.
Molecular consequence: missense variant. On other transcripts: non-coding transcript variant (1).
Genome position (GRCh38, 1-based): chr12:6,329,861, A>C on the plus strand (T>G on the coding strand, the complement: TNFRSF1A is on the minus strand). VCF-style: chr12-6329861-A-C. GRCh37 (hg19) VCF-style: chr12-6439027-A-C.
Other names: c.650T>G, p.Leu217Arg (NM_001346091.2); c.515T>G, p.Leu172Arg (NM_001346092.2); short protein forms L172R, L217R, L325R.
Identifiers: ClinVar variation 2856638 (VCV002856638.3), dbSNP rs2497787519, ClinGen allele CA383545742.